The following is an entry in ClinVar:

ClinVar aggregate classification (germline): Uncertain significance. Review status: criteria provided, single submitter (1 of 4 stars). 2 submissions from 2 submitters: Uncertain significance (1). 1 of the submissions does not count toward it. Last evaluated 2022-03-12.

Conditions:
VPS13B-related disorder. Also called: VPS13B-related condition.
Cohen syndrome (COH1). Also called: PEPPER SYNDROME; Cutis verticis gyrata, retinitis pigmentosa, and sensorineural deafness. Identifiers: Orphanet 193, MedGen C0265223, MONDO:0008999, OMIM 216550.

Allele frequency attached by ClinVar (database versions not stated): gnomAD 0.00001; gnomAD exomes 0.00001; ExAC 0.00002; TOPMed 0.00002.
gnomAD v4.1: 4 of 1,613,958 alleles (0.00025%); highest among the groups gnomAD compares: Admixed American, 0.0067%; no homozygotes.

Submissions (2):

Labcorp Genetics (formerly Invitae), Labcorp
Classification: Uncertain significance for Cohen syndrome. Last evaluated: 2022-03-12. Review status: criteria provided, single submitter. Criteria: Invitae Variant Classification Sherloc (09022015). Collection method: clinical testing. Allele origin: germline.
Comment: In summary, the available evidence is currently insufficient to determine the role of this variant in disease. Therefore, it has been classified as a Variant of Uncertain Significance. Algorithms developed to predict the effect of missense changes on protein structure and function are either unavailable or do not agree on the potential impact of this missense change (SIFT: "Not Available"; PolyPhen-2: "Benign"; Align-GVGD: "Not Available"). This variant has not been reported in the literature in individuals affected with VPS13B-related conditions. This variant is present in population databases (rs772136458, gnomAD 0.009%). This sequence change replaces glutamic acid, which is acidic and polar, with glycine, which is neutral and non-polar, at codon 3441 of the VPS13B protein (p.Glu3441Gly).

PreventionGenetics, part of Exact Sciences
Classification: Uncertain significance for VPS13B-related condition. Last evaluated: 2024-08-27. Review status: no assertion criteria provided. Collection method: clinical testing. Allele origin: germline. Not counted in ClinVar's aggregate classification.
Comment: The VPS13B c.10247A>G variant is predicted to result in the amino acid substitution p.Glu3416Gly. To our knowledge, this variant has not been reported in the literature. This variant is reported in 0.0087% of alleles in individuals of Latino descent in gnomAD. At this time, the clinical significance of this variant is uncertain due to the absence of conclusive functional and genetic evidence.

NM_152564.5(VPS13B):c.10247A>G (p.Glu3416Gly)

Gene: VPS13B (vacuolar protein sorting 13 homolog B; plus strand). Cytogenetic location: 8q22.2.
Variant type: single nucleotide variant.
Coding change: c.10247A>G on transcript NM_152564.5 (MANE Select); coding-DNA position 10247, A replaced by G.
Protein change: p.Glu3416Gly; replaces glutamic acid 3416 with glycine.
Molecular consequence: missense variant.
Genome position (GRCh38, 1-based): chr8:99,853,636, A>G. VCF-style: chr8-99853636-A-G. GRCh37 (hg19) VCF-style: chr8-100865864-A-G.
Other names: c.10322A>G, p.Glu3441Gly (NM_017890.5); short protein forms E3416G, E3441G.
Identifiers: ClinVar variation 2415002 (VCV002415002.7), dbSNP rs772136458, ClinGen allele CA4824919.